The following is an entry in ClinVar:

NM_000093.5(COL5A1):c.1412C>T (p.Pro471Leu)

Gene: COL5A1 (collagen type V alpha 1 chain; plus strand). Cytogenetic location: 9q34.3.
Variant type: single nucleotide variant.
Coding change: c.1412C>T on transcript NM_000093.5 (MANE Select); coding-DNA position 1412, C replaced by T.
Protein change: p.Pro471Leu; replaces proline 471 with leucine.
Molecular consequence: missense variant.
Genome position (GRCh38, 1-based): chr9:134,738,496, C>T. VCF-style: chr9-134738496-C-T. GRCh37 (hg19) VCF-style: chr9-137630342-C-T.
Other names: c.1412C>T, p.Pro471Leu (NM_001278074.1); short protein forms P471L.
Identifiers: ClinVar variation 3647598 (VCV003647598.2).
Genomic context (GRCh38, chr9:134,738,496, plus strand): 5'-GGGCTGCGGTCTCAGACGCCCTCTCTCTGTCTCCCCAGGGCATGCTCATCGAGGGCCCGC[C>T]TGGCCCAGAAGGCCCCGCGGTGAGTATCCGGCTTTATCCTGTGACTTGCAGAAGGTGCTC-3'
Protein context (NP_000084.3, residues 461-481): IEPGMLIEGP[Pro471Leu]GPEGPAGLPG

ClinVar aggregate classification (germline): Uncertain significance (1 of 4 stars; one submission).

Conditions:
Ehlers-Danlos syndrome, classic type, 1 (EDSCL1). Also called: EHLERS-DANLOS SYNDROME, GRAVIS TYPE; EHLERS-DANLOS SYNDROME, SEVERE CLASSIC TYPE; Ehlers-Danlos syndrome, type 1; Ehlers-Danlos Syndrome, Classic Type, COL5A1-Related; EDS I. Identifiers: MedGen C0268335, MONDO:0019567, OMIM 130000.

gnomAD v4.1: 1 of 1,613,942 alleles (0.000062%); highest among the groups gnomAD compares: Non-Finnish European, 0.000085%; no homozygotes.

Submission:

Labcorp Genetics (formerly Invitae), Labcorp
Classification: Uncertain significance for Ehlers-Danlos syndrome, classic type, 1. Last evaluated: 2024-03-28. Review status: criteria provided, single submitter. Criteria: Invitae Variant Classification Sherloc (09022015). Collection method: clinical testing. Allele origin: germline.
Comment: This sequence change replaces proline, which is neutral and non-polar, with leucine, which is neutral and non-polar, at codon 471 of the COL5A1 protein (p.Pro471Leu). This variant is not present in population databases (gnomAD no frequency). This variant has not been reported in the literature in individuals affected with COL5A1-related conditions. Advanced modeling of protein sequence and biophysical properties (such as structural, functional, and spatial information, amino acid conservation, physicochemical variation, residue mobility, and thermodynamic stability) performed at Invitae indicates that this missense variant is not expected to disrupt COL5A1 protein function with a negative predictive value of 95%. In summary, the available evidence is currently insufficient to determine the role of this variant in disease. Therefore, it has been classified as a Variant of Uncertain Significance.